The following is an entry in ClinVar:

ClinVar aggregate classification (germline): Uncertain significance (1 of 4 stars; one submission).

Submission:

Ambry Genetics
Classification: Uncertain significance. Last evaluated: 2023-01-22. Review status: criteria provided, single submitter. Criteria: Ambry Variant Classification Scheme 2023. Collection method: clinical testing. Allele origin: germline.
Comment: The p.L14V variant (also known as c.40C>G), located in coding exon 1 of the GALNT12 gene, results from a C to G substitution at nucleotide position 40. The leucine at codon 14 is replaced by valine, an amino acid with highly similar properties. This amino acid position is not conserved on limited sequence alignment. In addition, this alteration is predicted to be tolerated by in silico analysis. Since supporting evidence is limited at this time, the clinical significance of this alteration remains unclear.

NM_024642.5(GALNT12):c.40C>G (p.Leu14Val)

Gene: GALNT12 (polypeptide N-acetylgalactosaminyltransferase 12; plus strand). Cytogenetic location: 9q22.33.
Variant type: single nucleotide variant.
Coding change: c.40C>G on transcript NM_024642.5 (MANE Select); coding-DNA position 40, C replaced by G.
Protein change: p.Leu14Val; replaces leucine 14 with valine.
Molecular consequence: missense variant.
Genome position (GRCh38, 1-based): chr9:98,807,738, C>G. VCF-style: chr9-98807738-C-G. GRCh37 (hg19) VCF-style: chr9-101570020-C-G.
Other names: short protein forms L14V.
Identifiers: ClinVar variation 824593 (VCV000824593.5), dbSNP rs1588436065, ClinGen allele CA374222096.